The following is an entry in ClinVar:

ClinVar aggregate classification (germline): Pathogenic (1 of 4 stars; one submission).

Submission:

MVZ Dr. Eberhard & Partner Dortmund
Classification: Pathogenic. Last evaluated: 2019-12-31. Review status: criteria provided, single submitter. Criteria: ACMG Guidelines, 2015. Collection method: clinical testing. Allele origin: unknown. Observed: 1 heterozygote.
Comment: The deletion of 4 basepairs in exon 48 creates a frame shift starting at codon Leu2653.The new reading frame ends in a premature stop codon at position 6 (p.(Leu2653Glufs*6)). Therefore the mutation is a null variant in a gene where loss of function is a known mechanism of diesease. This variant is absent from controls in Exome Sequencing Project, 1000 Genomes Project and Exome Aggregation Consortium.

NM_000552.5(VWF):c.7956_7959del (p.Leu2653fs)

Gene: VWF (von Willebrand factor; minus strand). Cytogenetic location: 12p13.31.
Variant type: Deletion.
Coding change: c.7956_7959del on transcript NM_000552.5 (MANE Select); coding-DNA positions 7956 to 7959, 4 bases deleted (GCTA; older notation c.7956_7959delGCTA).
Protein change: p.Leu2653fs; shifts the reading frame from leucine 2653.
Molecular consequence: frameshift variant.
Genome position (GRCh38, 1-based): chr12:5,953,523-5,953,526, TAGC deleted on the plus strand (GCTA on the coding strand, the reverse complement: VWF is on the minus strand); deleting any 4 consecutive bases within chr12:5,953,523-5,953,527 gives the same sequence; the c. name uses the placement nearest the transcript's 3' end. VCF-style (leftmost placement, unchanged base first): chr12-5953522-TTAGC-T. GRCh37 (hg19) VCF-style: chr12-6062688-TTAGC-T.
Other names: short protein forms L2653fs.
Identifiers: ClinVar variation 996357 (VCV000996357.2), dbSNP rs1943217420, ClinGen allele CA2013842709.